The following is an entry in ClinVar:

ClinVar aggregate classification (germline): Uncertain significance (1 of 4 stars; one submission).

Conditions:
Peroxisome biogenesis disorder. Identifiers: Orphanet 79189, MedGen C1832200, MONDO:0019234. Disease mechanism: loss of function.

Submission:

Labcorp Genetics (formerly Invitae), Labcorp
Classification: Uncertain significance for Peroxisome biogenesis disorder. Last evaluated: 2024-01-02. Review status: criteria provided, single submitter. Criteria: Invitae Variant Classification Sherloc (09022015). Collection method: clinical testing. Allele origin: germline.
Comment: This sequence change replaces leucine, which is neutral and non-polar, with valine, which is neutral and non-polar, at codon 83 of the PEX6 protein (p.Leu83Val). This variant is not present in population databases (gnomAD no frequency). This variant has not been reported in the literature in individuals affected with PEX6-related conditions. ClinVar contains an entry for this variant (Variation ID: 853802). Algorithms developed to predict the effect of missense changes on protein structure and function output the following: SIFT: "Not Available"; PolyPhen-2: "Benign"; Align-GVGD: "Not Available". The valine amino acid residue is found in multiple mammalian species, which suggests that this missense change does not adversely affect protein function. In summary, the available evidence is currently insufficient to determine the role of this variant in disease. Therefore, it has been classified as a Variant of Uncertain Significance.

NM_000287.4(PEX6):c.247C>G (p.Leu83Val)

Gene: PEX6 (peroxisomal biogenesis factor 6; minus strand). Cytogenetic location: 6p21.1.
Variant type: single nucleotide variant.
Coding change: c.247C>G on transcript NM_000287.4 (MANE Select); coding-DNA position 247, C replaced by G.
Protein change: p.Leu83Val; replaces leucine 83 with valine.
Molecular consequence: missense variant. On other transcripts: non-coding transcript variant (1).
Genome position (GRCh38, 1-based): chr6:42,978,904, G>C on the plus strand (C>G on the coding strand, the complement: PEX6 is on the minus strand). VCF-style: chr6-42978904-G-C. GRCh37 (hg19) VCF-style: chr6-42946642-G-C.
Other names: c.247C>G, p.Leu83Val (NM_001316313.2); short protein forms L83V.
Identifiers: ClinVar variation 853802 (VCV000853802.10), dbSNP rs1770435941, ClinGen allele CA364167697.